The following is an entry in ClinVar:

ClinVar aggregate classification (germline): Pathogenic (1 of 4 stars; one submission).

Conditions:
Tuberous sclerosis 2 (TSC2). Identifiers: Orphanet 805, MedGen C1860707, MONDO:0013199, OMIM 613254.

Submission:

Labcorp Genetics (formerly Invitae), Labcorp
Classification: Pathogenic for Tuberous sclerosis 2. Last evaluated: 2022-08-09. Review status: criteria provided, single submitter. Criteria: Invitae Variant Classification Sherloc (09022015). Collection method: clinical testing. Allele origin: germline.
Comment: This variant has not been reported in the literature in individuals affected with TSC2-related conditions. This sequence change creates a premature translational stop signal (p.Glu32Aspfs*31) in the TSC2 gene. It is expected to result in an absent or disrupted protein product. Loss-of-function variants in TSC2 are known to be pathogenic (PMID: 10205261, 17304050). This variant is not present in population databases (gnomAD no frequency). For these reasons, this variant has been classified as Pathogenic.

Literature cited by the submitters: PubMed 10205261; PubMed 17304050.

NM_000548.5(TSC2):c.96_106del (p.Glu32fs)

Gene: TSC2 (TSC complex subunit 2; plus strand). Cytogenetic location: 16p13.3.
Variant type: Deletion.
Coding change: c.96_106del on transcript NM_000548.5 (MANE Select); coding-DNA positions 96 to 106, 11 bases deleted (GGGTAAACAGA).
Protein change: p.Glu32fs; shifts the reading frame from glutamic acid 32.
Molecular consequence: frameshift variant. On other transcripts: 5 prime UTR variant (1), intron variant (1).
Genome position (GRCh38, 1-based): chr16:2,048,711-2,048,721, GGGTAAACAGA deleted; deleting any 11 consecutive bases within chr16:2,048,707-2,048,721 gives the same sequence; the c. name uses the placement nearest the transcript's 3' end. VCF-style (leftmost placement, unchanged base first): chr16-2048706-GCAGAGGGTAAA-G. GRCh37 (hg19) VCF-style: chr16-2098707-GCAGAGGGTAAA-G.
Other names: c.96_106del, p.Glu32fs (NM_001077183.3, NM_001114382.3, NM_001318827.2 and 4 more transcripts); c.-131_-121del (NM_001318831.2); c.129_139del, p.Glu43fs (NM_001318832.2); c.96_106delGGGTAAACAGA, p.Glu32Aspfs (NM_001406663.1, NM_001406664.1, NM_001406665.1 and 6 more transcripts); c.-721_-711delGGGTAAACAGA (NM_001406680.1, NM_001406683.1, NM_001406687.1); c.-350_-340delGGGTAAACAGA (NM_001406681.1); c.-131_-121delGGGTAAACAGA (NM_001406682.1, NM_001406684.1, NM_001406685.1 and 1 more transcripts); c.-1336_-1326delGGGTAAACAGA (NM_001406689.1, NM_001406690.1, NM_001406691.1 and 2 more transcripts); and 5 more; short protein forms E32fs, E43fs.
Identifiers: ClinVar variation 2107109 (VCV002107109.4), dbSNP rs2548350627, ClinGen allele CA2580090541.